The following is an entry in ClinVar:

NM_001082486.2(ACD):c.-26T>G

Gene: ACD (ACD shelterin complex subunit and telomerase recruitment factor; minus strand). Cytogenetic location: 16q22.1.
Variant type: single nucleotide variant.
Coding change: c.-26T>G on transcript NM_001082486.2 (MANE Select); 26 bases upstream of the start codon, T replaced by G.
Molecular consequence: 5 prime UTR variant.
Genome position (GRCh38, 1-based): chr16:67,660,246, A>C on the plus strand (T>G on the coding strand, the complement: ACD is on the minus strand). VCF-style: chr16-67660246-A-C. GRCh37 (hg19) VCF-style: chr16-67694149-A-C.
Other names: c.-26T>G (NM_001410884.1, NM_022914.3).
Identifiers: ClinVar variation 1789847 (VCV001789847.6), dbSNP rs1486097298, ClinGen allele CA396359313.

ClinVar aggregate classification (germline): Uncertain significance. Review status: criteria provided, multiple submitters, no conflicts (2 of 4 stars). 2 submissions from 2 submitters: Uncertain significance (2). Last evaluated 2024-11-25.

Conditions:
Inborn genetic diseases. Identifiers: MedGen C0950123, MeSH D030342.
Dyskeratosis congenita, autosomal dominant 6 (DKCA6). Identifiers: Orphanet 3322, MedGen C4225284, MONDO:0014690, OMIM 616553.

Allele frequency attached by ClinVar (database versions not stated): TOPMed 0.00001.

Submissions (2):

Labcorp Genetics (formerly Invitae), Labcorp
Classification: Uncertain significance for Dyskeratosis congenita, autosomal dominant 6. Last evaluated: 2024-11-25. Review status: criteria provided, single submitter. Criteria: Invitae Variant Classification Sherloc (09022015). Collection method: clinical testing. Allele origin: germline.
Comment: This sequence change replaces leucine, which is neutral and non-polar, with tryptophan, which is neutral and slightly polar, at codon 78 of the ACD protein (p.Leu78Trp). This variant is not present in population databases (gnomAD no frequency). This variant has not been reported in the literature in individuals affected with ACD-related conditions. ClinVar contains an entry for this variant (Variation ID: 1789847). An algorithm developed to predict the effect of missense changes on protein structure and function outputs the following: PolyPhen-2: "Benign". The tryptophan amino acid residue is found in multiple mammalian species, which suggests that this missense change does not adversely affect protein function. In summary, the available evidence is currently insufficient to determine the role of this variant in disease. Therefore, it has been classified as a Variant of Uncertain Significance.

Ambry Genetics
Classification: Uncertain significance for Inborn genetic diseases. Last evaluated: 2024-03-18. Review status: criteria provided, single submitter. Criteria: Ambry Variant Classification Scheme 2023. Collection method: clinical testing. Allele origin: germline.
Comment: The p.L78W variant (also known as c.233T>G), located in coding exon 1 of the ACD gene, results from a T to G substitution at nucleotide position 233. The leucine at codon 78 is replaced by tryptophan, an amino acid with similar properties. This amino acid position is conserved. In addition, this alteration is predicted to be tolerated by in silico analysis. Since supporting evidence is limited at this time, the clinical significance of this alteration remains unclear.